The following is an entry in ClinVar:

NM_001080453.3(INTS1):c.900G>A (p.Leu300=)

Gene: INTS1 (integrator complex subunit 1; minus strand). Cytogenetic location: 7p22.3.
Variant type: single nucleotide variant.
Coding change: c.900G>A on transcript NM_001080453.3 (MANE Select); coding-DNA position 900, G replaced by A.
Protein change: p.Leu300=; no amino-acid change (leucine 300 retained).
Molecular consequence: synonymous variant.
Genome position (GRCh38, 1-based): chr7:1,499,305, C>T on the plus strand (G>A on the coding strand, the complement: INTS1 is on the minus strand). VCF-style: chr7-1499305-C-T. GRCh37 (hg19) VCF-style: chr7-1538941-C-T.
Identifiers: ClinVar variation 4085501 (VCV004085501.8).

ClinVar aggregate classification (germline): Likely benign (1 of 4 stars; one submission).

Submission:

CeGaT Center for Human Genetics Tuebingen
Classification: Likely benign. Last evaluated: 2025-07-01. Review status: criteria provided, single submitter. Criteria: CeGaT Center For Human Genetics Tuebingen Variant Classification Criteria Version 2. Collection method: clinical testing. Allele origin: germline. Affected: yes. Observed: 1 variant allele.
Comment: INTS1: PM2:Supporting, BP4, BP7